The following is an entry in ClinVar:

ClinVar aggregate classification (germline): Likely pathogenic (1 of 4 stars; one submission).

Conditions:
Holoprosencephaly sequence (HPE). Also called: Holoprosencephaly. Identifiers: Orphanet 2162, MedGen C0079541, MONDO:0016296, HP:0001360.

Submission:

Muenke lab, National Institutes of Health
Classification: Likely pathogenic for Holoprosencephaly sequence. Last evaluated: 2018-04-18. Review status: criteria provided, single submitter. Criteria: Submitter's publication. Collection method: research. Allele origin: not applicable. Inheritance: Autosomal dominant inheritance.
Comment: Compatible clinical presentation and experimental and ACMG criteria: PS3;PM2;PP3

NM_033163.5(FGF8):c.469G>T (p.Val157Phe)

Gene: FGF8 (fibroblast growth factor 8; minus strand). Cytogenetic location: 10q24.32.
Variant type: single nucleotide variant.
Coding change: c.469G>T on transcript NM_033163.5 (MANE Select); coding-DNA position 469, G replaced by T.
Protein change: p.Val157Phe; replaces valine 157 with phenylalanine.
Molecular consequence: missense variant.
Genome position (GRCh38, 1-based): chr10:101,770,595, C>A on the plus strand (G>T on the coding strand, the complement: FGF8 is on the minus strand). VCF-style: chr10-101770595-C-A. GRCh37 (hg19) VCF-style: chr10-103530352-C-A.
Other names: c.157G>T, p.Val53Phe (NM_001206389.2); c.382G>T, p.Val128Phe (NM_006119.6); c.436G>T, p.Val146Phe (NM_033164.4); c.349G>T, p.Val117Phe (NM_033165.5); short protein forms V146F, V157F, V117F, V128F, V53F.
Identifiers: ClinVar variation 545456 (VCV000545456.3), dbSNP rs139565972, ClinGen allele CA377834163.